The following is an entry in ClinVar:

ClinVar aggregate classification (germline): Uncertain significance (1 of 4 stars; one submission).

Conditions:
Rhabdoid tumor predisposition syndrome 2 (RTPS2). Identifiers: Orphanet 231108, Orphanet 69077, MedGen C2750074, MONDO:0013224, OMIM 613325.

Submission:

Labcorp Genetics (formerly Invitae), Labcorp
Classification: Uncertain significance for Rhabdoid tumor predisposition syndrome 2. Last evaluated: 2025-07-06. Review status: criteria provided, single submitter. Criteria: Invitae Variant Classification Sherloc (09022015). Collection method: clinical testing. Allele origin: germline.
Comment: This sequence change replaces asparagine, which is neutral and polar, with isoleucine, which is neutral and non-polar, at codon 772 of the SMARCA4 protein (p.Asn772Ile). Information on the frequency of this variant in the gnomAD database is not available, as this variant may be reported differently in the database. This variant has not been reported in the literature in individuals affected with SMARCA4-related conditions. An algorithm developed to predict the effect of missense changes on protein structure and function (PolyPhen-2) suggests that this variant is likely to be disruptive. In summary, the available evidence is currently insufficient to determine the role of this variant in disease. Therefore, it has been classified as a Variant of Uncertain Significance.

NM_003072.5(SMARCA4):c.2315_2316delinsTT (p.Asn772Ile)

Gene: SMARCA4 (SWI/SNF related BAF chromatin remodeling complex subunit ATPase 4; plus strand). Cytogenetic location: 19p13.2.
Variant type: Indel.
Coding change: c.2315_2316delinsTT on transcript NM_003072.5 (MANE Select); coding-DNA positions 2315 to 2316, AC replaced by TT.
Protein change: p.Asn772Ile; replaces asparagine 772 with isoleucine.
Molecular consequence: missense variant. On other transcripts: non-coding transcript variant (1).
Genome position (GRCh38, 1-based): chr19:11,012,989-11,012,990, AC replaced by TT. VCF-style: chr19-11012989-AC-TT. GRCh37 (hg19) VCF-style: chr19-11123665-AC-TT.
Other names: c.2315_2316delinsTT, p.Asn772Ile (NM_001128844.3, NM_001128845.2, NM_001128846.2 and 6 more transcripts); short protein forms N772I.
Identifiers: ClinVar variation 4722709 (VCV004722709.1).